The following is an entry in ClinVar:

ClinVar aggregate classification (germline): Benign/Likely benign. Review status: criteria provided, multiple submitters, no conflicts (2 of 4 stars). 4 submissions from 4 submitters: Benign (1); Likely benign (3). Last evaluated 2025-07-14.

Conditions:
Multiple endocrine neoplasia, type 1 (MEN1). Also called: MEN I; WERMER SYNDROME; Endocrine adenomatosis multiple; MEN 1; MEA I. Identifiers: Orphanet 652, MedGen C0025267, MeSH D018761, MONDO:0007540, OMIM 131100.
Hereditary cancer-predisposing syndrome. Also called: Hereditary neoplastic syndrome; Hereditary Cancer Syndrome; Neoplastic Syndromes, Hereditary; Tumor predisposition. Identifiers: Orphanet 140162, MedGen C0027672, MeSH D009386, MONDO:0015356.

Submissions (4):

Color Diagnostics, LLC DBA Color Health
Classification: Likely benign for Multiple endocrine neoplasia, type 1. Last evaluated: 2025-07-14. Review status: criteria provided, single submitter. Criteria: ACMG Guidelines, 2015. Collection method: clinical testing. Allele origin: germline.

Labcorp Genetics (formerly Invitae), Labcorp
Classification: Likely benign for Multiple endocrine neoplasia, type 1. Last evaluated: 2025-04-17. Review status: criteria provided, single submitter. Criteria: Invitae Variant Classification Sherloc (09022015). Collection method: clinical testing. Allele origin: germline.

Myriad Genetics, Inc.
Classification: Benign for Multiple endocrine neoplasia, type 1. Last evaluated: 2024-10-31. Review status: criteria provided, single submitter. Criteria: Myriad Autosomal Dominant, Autosomal Recessive and X-Linked Classification Criteria (2023). Collection method: clinical testing. Allele origin: unknown.
Comment: This variant is considered benign. This variant is a silent/synonymous amino acid change and it is not expected to impact splicing.

Ambry Genetics
Classification: Likely benign for Hereditary cancer-predisposing syndrome. Last evaluated: 2021-04-18. Review status: criteria provided, single submitter. Criteria: Ambry Variant Classification Scheme 2023. Collection method: clinical testing. Allele origin: germline.

NM_001370259.2(MEN1):c.180G>A (p.Glu60=)

Gene: MEN1 (menin 1; minus strand). Cytogenetic location: 11q13.1.
Variant type: single nucleotide variant.
Coding change: c.180G>A on transcript NM_001370259.2 (MANE Select); coding-DNA position 180, G replaced by A.
Protein change: p.Glu60=; no amino-acid change (glutamic acid 60 retained).
Molecular consequence: synonymous variant.
Genome position (GRCh38, 1-based): chr11:64,809,930, C>T on the plus strand (G>A on the coding strand, the complement: MEN1 is on the minus strand). VCF-style: chr11-64809930-C-T. GRCh37 (hg19) VCF-style: chr11-64577402-C-T.
Other names: c.180G>A, p.Glu60= (NM_001370261.2, NM_001370262.2, NM_001370263.2 and 9 more transcripts).
Identifiers: ClinVar variation 1606267 (VCV001606267.11), dbSNP rs2136190736, ClinGen allele CA475163886.